The following is an entry in ClinVar:

ClinVar aggregate classification (germline): Likely benign (0 of 4 stars; one submission).

Conditions:
HNF4A-related disorder. Also called: HNF4A-related condition.

Allele frequency attached by ClinVar (database versions not stated): gnomAD exomes 0.00001; ExAC 0.00010; 1000 Genomes Project 30x 0.00016; 1000 Genomes Project 0.00020; ESP Exome Variant Server 0.00023; TOPMed 0.00023; gnomAD 0.00031.
gnomAD v4.1: 66 of 1,614,200 alleles (0.0041%); highest among the groups gnomAD compares: African/African-American, 0.087%; no homozygotes.

Submission:

PreventionGenetics, part of Exact Sciences
Classification: Likely benign for HNF4A-related condition. Last evaluated: 2019-10-10. Review status: no assertion criteria provided. Collection method: clinical testing. Allele origin: germline.
Comment: This variant is classified as likely benign based on ACMG/AMP sequence variant interpretation guidelines (Richards et al. 2015 PMID: 25741868, with internal and published modifications).

NM_175914.5(HNF4A):c.50-4563G>A

Gene: HNF4A (hepatocyte nuclear factor 4 alpha; plus strand). Cytogenetic location: 20q13.12.
Variant type: single nucleotide variant.
Coding change: c.50-4563G>A on transcript NM_175914.5 (MANE Select); 4563 bases into the intron before coding-DNA position 50, G replaced by A.
Molecular consequence: intron variant.
Genome position (GRCh38, 1-based): chr20:44,401,495, G>A. VCF-style: chr20-44401495-G-A. GRCh37 (hg19) VCF-style: chr20-43030135-G-A.
Other names: c.41-4563G>A (NM_001287182.2, NM_001287183.2, NM_001287184.2); c.50-4563G>A (NM_001030003.3, NM_001030004.3); c.3+8G>A (NM_001258355.2); c.115+8G>A (NM_178849.3, NM_000457.6, NM_178850.3).
Identifiers: ClinVar variation 3039013 (VCV003039013.2), dbSNP rs369478495, ClinGen allele CA9870088.